The following is an entry in ClinVar:

NM_015559.3(SETBP1):c.2223A>T (p.Glu741Asp)

Gene: SETBP1 (SET binding protein 1; plus strand). Cytogenetic location: 18q12.3.
Variant type: single nucleotide variant.
Coding change: c.2223A>T on transcript NM_015559.3 (MANE Select); coding-DNA position 2223, A replaced by T.
Protein change: p.Glu741Asp; replaces glutamic acid 741 with aspartic acid.
Molecular consequence: missense variant.
Genome position (GRCh38, 1-based): chr18:44,951,563, A>T. VCF-style: chr18-44951563-A-T. GRCh37 (hg19) VCF-style: chr18-42531528-A-T.
Other names: c.2223A>T, p.Glu741Asp (NM_001379141.1, NM_001379142.1, NM_001410862.1); short protein forms E741D.
Identifiers: ClinVar variation 3625039 (VCV003625039.2).
Genomic context (GRCh38, chr18:44,951,563, plus strand): 5'-CTACATTGGCAAGAAGCGGGGCAGGAAGCCAAGAGCAGAGCTGCCACCCCCATCCGAAGA[A>T]CCCAAAACAGCCATCAAGCACCCCAGGCCTGTTTCTAGCCAGCCGGATGTTCCAGCCGTG-3'
Protein context (NP_056374.2, residues 731-751): PRAELPPPSE[Glu741Asp]PKTAIKHPRP

ClinVar aggregate classification (germline): Uncertain significance (1 of 4 stars; one submission).

Submission:

Labcorp Genetics (formerly Invitae), Labcorp
Classification: Uncertain significance. Last evaluated: 2024-04-05. Review status: criteria provided, single submitter. Criteria: Invitae Variant Classification Sherloc (09022015). Collection method: clinical testing. Allele origin: germline.
Comment: This sequence change replaces glutamic acid, which is acidic and polar, with aspartic acid, which is acidic and polar, at codon 741 of the SETBP1 protein (p.Glu741Asp). This variant is not present in population databases (gnomAD no frequency). This variant has not been reported in the literature in individuals affected with SETBP1-related conditions. Advanced modeling of protein sequence and biophysical properties (such as structural, functional, and spatial information, amino acid conservation, physicochemical variation, residue mobility, and thermodynamic stability) performed at Invitae indicates that this missense variant is not expected to disrupt SETBP1 protein function with a negative predictive value of 80%. In summary, the available evidence is currently insufficient to determine the role of this variant in disease. Therefore, it has been classified as a Variant of Uncertain Significance.